The following is an entry in ClinVar:

NM_006361.6(HOXB13):c.22A>G (p.Thr8Ala)

Gene: HOXB13 (homeobox B13; minus strand). Cytogenetic location: 17q21.32.
Variant type: single nucleotide variant.
Coding change: c.22A>G on transcript NM_006361.6 (MANE Select); coding-DNA position 22, A replaced by G.
Protein change: p.Thr8Ala; replaces threonine 8 with alanine.
Molecular consequence: missense variant.
Genome position (GRCh38, 1-based): chr17:48,728,572, T>C on the plus strand (A>G on the coding strand, the complement: HOXB13 is on the minus strand). VCF-style: chr17-48728572-T-C. GRCh37 (hg19) VCF-style: chr17-46805934-T-C.
Other names: short protein forms T8A.
Identifiers: ClinVar variation 821054 (VCV000821054.13), dbSNP rs1597935356, ClinGen allele CA400109924.

ClinVar aggregate classification (germline): Uncertain significance. Review status: criteria provided, multiple submitters, no conflicts (2 of 4 stars). 2 submissions from 2 submitters: Uncertain significance (2). Last evaluated 2021-04-24.

Conditions:
Hereditary cancer-predisposing syndrome. Also called: Neoplastic Syndromes, Hereditary; Tumor predisposition; Hereditary Cancer Syndrome; Hereditary neoplastic syndrome. Identifiers: Orphanet 140162, MedGen C0027672, MeSH D009386, MONDO:0015356.

Submissions (2):

Labcorp Genetics (formerly Invitae), Labcorp
Classification: Uncertain significance. Last evaluated: 2021-04-24. Review status: criteria provided, single submitter. Criteria: Invitae Variant Classification Sherloc (09022015). Collection method: clinical testing. Allele origin: germline.
Comment: This variant is not present in population databases (ExAC no frequency). This sequence change replaces threonine with alanine at codon 8 of the HOXB13 protein (p.Thr8Ala). The threonine residue is weakly conserved and there is a small physicochemical difference between threonine and alanine. This variant has not been reported in the literature in individuals with HOXB13-related conditions. ClinVar contains an entry for this variant (Variation ID: 821054). In summary, the available evidence is currently insufficient to determine the role of this variant in disease. Therefore, it has been classified as a Variant of Uncertain Significance. Algorithms developed to predict the effect of missense changes on protein structure and function output the following: SIFT: "Tolerated"; PolyPhen-2: "Benign"; Align-GVGD: "Class C0". The alanine amino acid residue is found in multiple mammalian species, suggesting that this missense change does not adversely affect protein function. These predictions have not been confirmed by published functional studies and their clinical significance is uncertain.

Ambry Genetics
Classification: Uncertain significance for Hereditary cancer-predisposing syndrome. Last evaluated: 2018-07-24. Review status: criteria provided, single submitter. Criteria: Ambry Variant Classification Scheme 2023. Collection method: clinical testing. Allele origin: germline.
Comment: The p.T8A variant (also known as c.22A>G), located in coding exon 1 of the HOXB13 gene, results from an A to G substitution at nucleotide position 22. The threonine at codon 8 is replaced by alanine, an amino acid with similar properties. This amino acid position is not well conserved in available vertebrate species. In addition, this alteration is predicted to be tolerated by in silico analysis. Since supporting evidence is limited at this time, the clinical significance of this alteration remains unclear.